The following is an entry in ClinVar:

ClinVar aggregate classification (germline): Likely pathogenic (1 of 4 stars; one submission).

Conditions:
Perrault syndrome 4 (PRLTS4). Identifiers: Orphanet 2855, MedGen C3809105, MONDO:0014126, OMIM 615300.
Hydrops-lactic acidosis-sideroblastic anemia-multisystemic failure syndrome. Also called: Hydrops, lactic acidosis, and sideroblastic anemia. Identifiers: Orphanet 528091, MedGen C4310761, MONDO:0014869, OMIM 617021.

gnomAD v4.1: 2 of 1,611,532 alleles (0.00012%); highest among the groups gnomAD compares: Non-Finnish European, 0.00017%; no homozygotes.

Submission:

Juno Genomics, Hangzhou Juno Genomics, Inc
Classification: Likely pathogenic for Hydrops-lactic acidosis-sideroblastic anemia-multisystemic failure syndrome; Perrault syndrome 4. Review status: criteria provided, single submitter. Criteria: ACMG Guidelines, 2015. Collection method: clinical testing. Allele origin: germline.
Comment: Null variant in a gene where loss of function (LOF) is a known mechanism of disease.;Absent from controls (or at extremely low frequency if recessive) in Genome Aggregation Database.

NM_015340.4(LARS2):c.551G>A (p.Trp184Ter)

Gene: LARS2 (leucyl-tRNA synthetase 2, mitochondrial; plus strand). Cytogenetic location: 3p21.31.
Variant type: single nucleotide variant.
Coding change: c.551G>A on transcript NM_015340.4 (MANE Select); coding-DNA position 551, G replaced by A.
Protein change: p.Trp184Ter; replaces tryptophan 184 with a stop codon.
Molecular consequence: nonsense.
Genome position (GRCh38, 1-based): chr3:45,446,925, G>A. VCF-style: chr3-45446925-G-A. GRCh37 (hg19) VCF-style: chr3-45488417-G-A.
Other names: c.551G>A, p.Trp184Ter (NM_001368263.1); short protein forms W184*.
Identifiers: ClinVar variation 5006619 (VCV005006619.2).